The following is an entry in ClinVar:

ClinVar aggregate classification (germline): Uncertain significance (1 of 4 stars; one submission).

Allele frequency attached by ClinVar (database versions not stated): gnomAD exomes below 0.00001; TOPMed below 0.00001; ExAC 0.00001; gnomAD 0.00001.
gnomAD v4.1: 3 of 1,614,082 alleles (0.00019%); highest among the groups gnomAD compares: Non-Finnish European, 0.00025%; no homozygotes.

Submission:

GeneDx
Classification: Uncertain significance. Last evaluated: 2023-02-06. Review status: criteria provided, single submitter. Criteria: GeneDx Variant Classification Process June 2021. Collection method: clinical testing. Allele origin: germline. Affected: yes.
Comment: Not observed at significant frequency in large population cohorts (gnomAD); In silico analysis supports that this missense variant does not alter protein structure/function; Has not been previously published as pathogenic or benign to our knowledge

NM_016333.4(SRRM2):c.7058C>T (p.Ala2353Val)

Gene: SRRM2 (serine/arginine repetitive matrix 2; plus strand). Cytogenetic location: 16p13.3.
Variant type: single nucleotide variant.
Coding change: c.7058C>T on transcript NM_016333.4 (MANE Select); coding-DNA position 7058, C replaced by T.
Protein change: p.Ala2353Val; replaces alanine 2353 with valine.
Molecular consequence: missense variant.
Genome position (GRCh38, 1-based): chr16:2,767,586, C>T. VCF-style: chr16-2767586-C-T. GRCh37 (hg19) VCF-style: chr16-2817587-C-T.
Other names: short protein forms A2353V.
Identifiers: ClinVar variation 2574933 (VCV002574933.1), dbSNP rs745528751, ClinGen allele CA7848954.